The following is an entry in ClinVar:

NM_177438.3(DICER1):c.5615G>A (p.Arg1872Lys)

Gene: DICER1 (dicer 1, ribonuclease III; minus strand). Cytogenetic location: 14q32.13.
Variant type: single nucleotide variant.
Coding change: c.5615G>A on transcript NM_177438.3 (MANE Select); coding-DNA position 5615, G replaced by A.
Protein change: p.Arg1872Lys; replaces arginine 1872 with lysine.
Molecular consequence: missense variant. On other transcripts: non-coding transcript variant (6).
Genome position (GRCh38, 1-based): chr14:95,090,652, C>T on the plus strand (G>A on the coding strand, the complement: DICER1 is on the minus strand). VCF-style: chr14-95090652-C-T. GRCh37 (hg19) VCF-style: chr14-95556989-C-T.
Other names: c.5452G>A, p.Glu1818Lys (NM_001195573.1); c.5615G>A, p.Arg1872Lys (NM_001271282.3, NM_001291628.2, NM_001395677.1 and 8 more transcripts); c.5333G>A, p.Arg1778Lys (NM_001395686.1); c.5210G>A, p.Arg1737Lys (NM_001395687.1, NM_001395688.1, NM_001395689.1 and 1 more transcripts); c.5048G>A, p.Arg1683Lys (NM_001395691.1); c.3932G>A, p.Arg1311Lys (NM_001395697.1); short protein forms R1872K, R1778K, E1818K, R1683K, R1311K, R1737K.
Identifiers: ClinVar variation 2566170 (VCV002566170.2), dbSNP rs2542392168, ClinGen allele CA390863763.

ClinVar aggregate classification (germline): Uncertain significance (1 of 4 stars; one submission).

Conditions:
Hereditary cancer-predisposing syndrome. Also called: Neoplastic Syndromes, Hereditary; Hereditary Cancer Syndrome; Hereditary neoplastic syndrome; Tumor predisposition. Identifiers: Orphanet 140162, MedGen C0027672, MeSH D009386, MONDO:0015356.

Submission:

Ambry Genetics
Classification: Uncertain significance for Hereditary cancer-predisposing syndrome. Last evaluated: 2023-04-09. Review status: criteria provided, single submitter. Criteria: Ambry Variant Classification Scheme 2023. Collection method: clinical testing. Allele origin: germline.
Comment: The p.R1872K variant (also known as c.5615G>A), located in coding exon 26 of the DICER1 gene, results from a G to A substitution at nucleotide position 5615. The arginine at codon 1872 is replaced by lysine, an amino acid with highly similar properties. This amino acid position is conserved. In addition, this alteration is predicted to be tolerated by in silico analysis. Since supporting evidence is limited at this time, the clinical significance of this alteration remains unclear.